The following is an entry in ClinVar:

ClinVar aggregate classification (germline): Benign/Likely benign. Review status: criteria provided, multiple submitters, no conflicts (2 of 4 stars). 8 submissions from 8 submitters: Benign (3); Likely benign (4). 1 of the submissions does not count toward it. Last evaluated 2026-02-04.

Conditions:
Singleton-Merten syndrome 1 (SGMRT1). Also called: Widened medullary cavities of bone, aortic calcification, abnormal dentition, and muscular weakness; Syndrome of widened medullary cavities of the metacarpals and phalanges, aortic calcification and abnormal dentition. Identifiers: Orphanet 85191, MedGen C4225427, MONDO:0024535, OMIM 182250.
Aicardi-Goutieres syndrome 7 (AGS7). Identifiers: Orphanet 51, MedGen C3888244, MONDO:0014367, OMIM 615846.
IFIH1-related disorder. Also called: IFIH1-related condition.

Allele frequency attached by ClinVar (database versions not stated): 1000 Genomes Project 0.00240; 1000 Genomes Project 30x 0.00250; TOPMed 0.01003; gnomAD exomes 0.01128 and 0.01712; ExAC 0.01156; gnomAD 0.01160 and 0.01195; ESP Exome Variant Server 0.01161.
gnomAD v4.1: 26,390 of 1,609,266 alleles (1.6%); highest among the groups gnomAD compares: Non-Finnish European, 2%; 279 homozygotes.

Submissions (8):

Labcorp Genetics (formerly Invitae), Labcorp
Classification: Benign for Aicardi-Goutieres syndrome 7; Singleton-Merten syndrome 1. Last evaluated: 2026-02-04. Review status: criteria provided, single submitter. Criteria: Invitae Variant Classification Sherloc (09022015). Collection method: clinical testing. Allele origin: germline.

Women's Health and Genetics/Laboratory Corporation of America, LabCorp
Classification: Likely benign. Last evaluated: 2026-01-22. Review status: criteria provided, single submitter. Criteria: LabCorp Variant Classification Summary - May 2015. Collection method: clinical testing. Allele origin: germline.

Blueprint Genetics
Classification: Likely benign. Last evaluated: 2024-11-25. Review status: criteria provided, single submitter. Criteria: ACMG Guidelines, 2015. Collection method: clinical testing. Allele origin: germline.

Mayo Clinic Laboratories, Mayo Clinic
Classification: Benign. Last evaluated: 2023-11-09. Review status: criteria provided, single submitter. Criteria: ACMG Guidelines, 2015. Collection method: clinical testing. Allele origin: germline. Observed: 17 variant alleles.
Comment: BS1, BS2, BP4

GeneDx
Classification: Likely benign. Last evaluated: 2021-04-15. Review status: criteria provided, single submitter. Criteria: GeneDx Variant Classification Process June 2021. Collection method: clinical testing. Allele origin: germline. Affected: yes.
Comment: This variant is associated with the following publications: (PMID: 20736039, 20668468, 19264985, 19324880, 27720759, 28501801, 28973304, 28658209)

Eurofins Ntd Llc (ga)
Classification: Benign. Last evaluated: 2017-01-20. Review status: criteria provided, single submitter. Criteria: EGL Classification Definitions 2015. Collection method: clinical testing. Allele origin: germline. Observed: 1 variant allele, 1 heterozygote.

Breakthrough Genomics
Classification: Likely benign. Review status: criteria provided, single submitter. Criteria: ACMG Guidelines, 2015. Collection method: not provided. Allele origin: germline. Inheritance: Autosomal recessive inheritance. Affected: yes.

PreventionGenetics, part of Exact Sciences
Classification: Benign for IFIH1-related condition. Last evaluated: 2022-08-18. Review status: no assertion criteria provided. Collection method: clinical testing. Allele origin: germline. Not counted in ClinVar's aggregate classification.
Comment: This variant is classified as benign based on ACMG/AMP sequence variant interpretation guidelines (Richards et al. 2015 PMID: 25741868, with internal and published modifications).

NM_022168.4(IFIH1):c.2767A>G (p.Ile923Val)

Gene: IFIH1 (interferon induced with helicase C domain 1; minus strand). Cytogenetic location: 2q24.2.
Variant type: single nucleotide variant.
Coding change: c.2767A>G on transcript NM_022168.4 (MANE Select); coding-DNA position 2767, A replaced by G.
Protein change: p.Ile923Val; replaces isoleucine 923 with valine.
Molecular consequence: missense variant.
Genome position (GRCh38, 1-based): chr2:162,268,127, T>C on the plus strand (A>G on the coding strand, the complement: IFIH1 is on the minus strand). VCF-style: chr2-162268127-T-C. GRCh37 (hg19) VCF-style: chr2-163124637-T-C.
Other names: p.Ile923Val; c.2767A>G, p.Ile923Val (LRG_1235t1); short protein forms I923V.
Identifiers: ClinVar variation 474954 (VCV000474954.24), dbSNP rs35667974, ClinGen allele CA1934084.